The following is an entry in ClinVar:

NM_005732.4(RAD50):c.1051+6A>C

Gene: RAD50 (RAD50 double strand break repair protein; plus strand). Cytogenetic location: 5q31.1.
Variant type: single nucleotide variant.
Coding change: c.1051+6A>C on transcript NM_005732.4 (MANE Select); 6 bases into the intron after coding-DNA position 1051, A replaced by C.
Molecular consequence: intron variant.
Genome position (GRCh38, 1-based): chr5:132,588,095, A>C. VCF-style: chr5-132588095-A-C. GRCh37 (hg19) VCF-style: chr5-131923787-A-C.
Identifiers: ClinVar variation 3659192 (VCV003659192.2).

ClinVar aggregate classification (germline): Uncertain significance (1 of 4 stars; one submission).

Conditions:
Hereditary cancer-predisposing syndrome. Also called: Hereditary Cancer Syndrome; Tumor predisposition; Hereditary neoplastic syndrome; Neoplastic Syndromes, Hereditary. Identifiers: Orphanet 140162, MedGen C0027672, MeSH D009386, MONDO:0015356.

Submission:

Labcorp Genetics (formerly Invitae), Labcorp
Classification: Uncertain significance for Hereditary cancer-predisposing syndrome. Last evaluated: 2024-07-11. Review status: criteria provided, single submitter. Criteria: Invitae Variant Classification Sherloc (09022015). Collection method: clinical testing. Allele origin: germline.
Comment: This sequence change falls in intron 7 of the RAD50 gene. It does not directly change the encoded amino acid sequence of the RAD50 protein. It affects a nucleotide within the consensus splice site. This variant is not present in population databases (gnomAD no frequency). This variant has not been reported in the literature in individuals affected with RAD50-related conditions. Variants that disrupt the consensus splice site are a relatively common cause of aberrant splicing (PMID: 17576681, 9536098). Algorithms developed to predict the effect of sequence changes on RNA splicing suggest that this variant is not likely to affect RNA splicing. In summary, the available evidence is currently insufficient to determine the role of this variant in disease. Therefore, it has been classified as a Variant of Uncertain Significance.

Literature cited by the submitters: PubMed 17576681; PubMed 9536098.